The following is an entry in ClinVar:

NM_001018071.4(FRMPD2):c.716C>T (p.Thr239Met)

Gene: FRMPD2 (FERM and PDZ domain containing 2; minus strand). Cytogenetic location: 10q11.22.
Variant type: single nucleotide variant.
Coding change: c.716C>T on transcript NM_001018071.4 (MANE Select); coding-DNA position 716, C replaced by T.
Protein change: p.Thr239Met; replaces threonine 239 with methionine.
Molecular consequence: missense variant.
Genome position (GRCh38, 1-based): chr10:48,239,677, G>A on the plus strand (C>T on the coding strand, the complement: FRMPD2 is on the minus strand). VCF-style: chr10-48239677-G-A. GRCh37 (hg19) VCF-style: chr10-49447720-G-A.
Other names: c.644C>T, p.Thr215Met (NM_001318191.1); short protein forms T215M, T239M.
Identifiers: ClinVar variation 2640444 (VCV002640444.24), dbSNP rs55802136, ClinGen allele CA5490314.

ClinVar aggregate classification (germline): Likely benign (1 of 4 stars; one submission).

Allele frequency attached by ClinVar (database versions not stated): ESP Exome Variant Server 0.00215; 1000 Genomes Project 30x 0.00219; 1000 Genomes Project 0.00240; TOPMed 0.00250; gnomAD 0.00281; ExAC 0.00313; gnomAD exomes 0.00360.
gnomAD v4.1: 5,679 of 1,613,608 alleles (0.35%); highest among the groups gnomAD compares: Non-Finnish European, 0.4%; 20 homozygotes.

Submission:

CeGaT Center for Human Genetics Tuebingen
Classification: Likely benign. Last evaluated: 2023-03-01. Review status: criteria provided, single submitter. Criteria: CeGaT Center For Human Genetics Tuebingen Variant Classification Criteria Version 2. Collection method: clinical testing. Allele origin: germline. Affected: yes. Observed: 2 variant alleles.
Comment: FRMPD2: BP4, BS2